The following is an entry in ClinVar:

ClinVar aggregate classification (germline): Uncertain significance. Review status: criteria provided, multiple submitters, no conflicts (2 of 4 stars). 2 submissions from 2 submitters: Uncertain significance (2). Last evaluated 2026-03-24.

Allele frequency attached by ClinVar (database versions not stated): gnomAD exomes below 0.00001.
gnomAD v4.1: 2 of 1,201,505 alleles (0.00017%); highest among the groups gnomAD compares: Non-Finnish European, 0.00023%; no homozygotes.

Submissions (2):

GeneDx
Classification: Uncertain significance. Last evaluated: 2026-03-24. Review status: criteria provided, single submitter. Criteria: GeneDx Variant Classification Process June 2021. Collection method: clinical testing. Allele origin: germline.
Comment: Not observed at significant frequency in large population cohorts (gnomAD); In silico analysis supports that this missense variant has a deleterious effect on protein structure/function; Has not been previously published as pathogenic or benign to our knowledge

Greenwood Genetic Center Diagnostic Laboratories, Greenwood Genetic Center
Classification: Uncertain significance. Last evaluated: 2023-08-31. Review status: criteria provided, single submitter. Criteria: ACMG Guidelines, 2015. Collection method: clinical testing. Allele origin: germline. Affected: yes.
Comment: PM2

NM_001368397.1(FRMPD4):c.1537C>T (p.Arg513Trp)

Gene: FRMPD4 (FERM and PDZ domain containing 4; plus strand). Cytogenetic location: Xp22.2.
Variant type: single nucleotide variant.
Coding change: c.1537C>T on transcript NM_001368397.1 (MANE Select); coding-DNA position 1537, C replaced by T.
Protein change: p.Arg513Trp; replaces arginine 513 with tryptophan.
Molecular consequence: missense variant.
Genome position (GRCh38, 1-based): chrX:12,710,465, C>T. VCF-style: chrX-12710465-C-T. GRCh37 (hg19) VCF-style: chrX-12728584-C-T.
Other names: c.1648C>T, p.Arg550Trp (NM_001368395.3, NM_001368398.3); c.1543C>T, p.Arg515Trp (NM_001368396.3); c.1528C>T, p.Arg510Trp (NM_001368399.3); c.1417C>T, p.Arg473Trp (NM_001368400.3); c.1513C>T, p.Arg505Trp (NM_001368401.1, NM_001368402.3); c.1537C>T, p.Arg513Trp (NM_014728.3); short protein forms R473W, R505W, R510W, R513W, R515W, R550W.
Identifiers: ClinVar variation 2626913 (VCV002626913.2), dbSNP rs1602359193, ClinGen allele CA412009720.